The following is an entry in ClinVar:

ClinVar aggregate classification (germline): Uncertain significance. Review status: criteria provided, multiple submitters, no conflicts (2 of 4 stars). 2 submissions from 2 submitters: Uncertain significance (2). Last evaluated 2026-02-13.

Conditions:
Inborn genetic diseases. Identifiers: MedGen C0950123, MeSH D030342.

gnomAD v4.1: 29 of 1,613,866 alleles (0.0018%); highest among the groups gnomAD compares: Middle Eastern, 0.049%; no homozygotes.

Submissions (2):

GeneDx
Classification: Uncertain significance. Last evaluated: 2026-02-13. Review status: criteria provided, single submitter. Criteria: GeneDx Variant Classification Process June 2021. Collection method: clinical testing. Allele origin: germline.
Comment: In silico analysis supports that this missense variant has a deleterious effect on protein structure/function; Has not been previously published as pathogenic or benign to our knowledge

Ambry Genetics
Classification: Uncertain significance for Inborn genetic diseases. Last evaluated: 2025-08-28. Review status: criteria provided, single submitter. Criteria: Ambry Variant Classification Scheme 2023. Collection method: clinical testing. Allele origin: germline.

NM_032608.7(MYO18B):c.7076C>T (p.Pro2359Leu)

Gene: MYO18B (myosin XVIIIB; plus strand). Cytogenetic location: 22q12.1.
Variant type: single nucleotide variant.
Coding change: c.7076C>T on transcript NM_032608.7 (MANE Select); coding-DNA position 7076, C replaced by T.
Protein change: p.Pro2359Leu; replaces proline 2359 with leucine.
Molecular consequence: missense variant.
Genome position (GRCh38, 1-based): chr22:26,027,050, C>T. VCF-style: chr22-26027050-C-T. GRCh37 (hg19) VCF-style: chr22-26423016-C-T.
Other names: c.7079C>T, p.Pro2360Leu (NM_001318245.2); short protein forms P2359L, P2360L.
Identifiers: ClinVar variation 4115300 (VCV004115300.2).